The following is an entry in ClinVar:

NM_000391.4(TPP1):c.706del (p.His236fs)

Gene: TPP1 (tripeptidyl peptidase 1; minus strand). Cytogenetic location: 11p15.4.
Variant type: Deletion.
Coding change: c.706del on transcript NM_000391.4 (MANE Select); coding-DNA position 706, one base deleted (C; older notation c.706delC).
Protein change: p.His236fs; shifts the reading frame from histidine 236.
Molecular consequence: frameshift variant.
Genome position (GRCh38, 1-based): chr11:6,616,841, G deleted on the plus strand (C on the coding strand, the reverse complement: TPP1 is on the minus strand); the first of 2 consecutive G bases (chr11:6,616,841-6,616,842); deleting either gives the same sequence. VCF-style (leftmost placement, unchanged base first): chr11-6616840-TG-T. GRCh37 (hg19) VCF-style: chr11-6638071-TG-T.
Other names: short protein forms H236fs.
Identifiers: ClinVar variation 5041821 (VCV005041821.1).

ClinVar aggregate classification (germline): Pathogenic (1 of 4 stars; one submission).

Submission:

CeGaT Center for Human Genetics Tuebingen
Classification: Pathogenic. Last evaluated: 2026-09-01. Review status: criteria provided, single submitter. Criteria: CeGaT Center For Human Genetics Tuebingen Variant Classification Criteria Version 2. Collection method: clinical testing. Allele origin: germline. Affected: yes. Observed: 1 variant allele.
Comment: TPP1: PVS1, PM2